The following is an entry in ClinVar:

NM_004006.3(DMD):c.1093C>T (p.Gln365Ter)

Gene: DMD (dystrophin; minus strand). Cytogenetic location: Xp21.1.
Variant type: single nucleotide variant.
Coding change: c.1093C>T on transcript NM_004006.3 (MANE Select); coding-DNA position 1093, C replaced by T.
Protein change: p.Gln365Ter; replaces glutamine 365 with a stop codon.
Molecular consequence: nonsense.
Genome position (GRCh38, 1-based): chrX:32,645,020, G>A on the plus strand (C>T on the coding strand, the complement: DMD is on the minus strand). VCF-style: chrX-32645020-G-A. GRCh37 (hg19) VCF-style: chrX-32663137-G-A.
Other names: c.1069C>T, p.Gln357Ter (NM_000109.4); c.1081C>T, p.Gln361Ter (NM_004009.3); c.724C>T, p.Gln242Ter (NM_004010.3); short protein forms Q365*, Q242*, Q357*, Q361*.
Identifiers: ClinVar variation 193663 (VCV000193663.20), dbSNP rs794726993, ClinGen allele CA274935.

ClinVar aggregate classification (germline): Pathogenic. Review status: criteria provided, multiple submitters, no conflicts (2 of 4 stars). 7 submissions from 5 submitters: Pathogenic (3). 4 of the submissions do not count toward it. Last evaluated 2024-11-21.

Conditions:
Cardiomyopathy (CMYO). Also called: Cardiomyopathies. Identifiers: Orphanet 167848, MedGen C0878544, MONDO:0004994, HP:0001638. Inheritance: Various modes of inheritance.
Duchenne muscular dystrophy (DMD). Also called: MUSCULAR DYSTROPHY, PSEUDOHYPERTROPHIC PROGRESSIVE, DUCHENNE TYPE; Duchenne Muscular Dystrophy (DMD). Identifiers: Orphanet 98896, MedGen C0013264, MONDO:0010679, OMIM 310200.
Becker muscular dystrophy (BMD). Also called: Becker Muscular Dystrophy (BMD); MUSCULAR DYSTROPHY, PSEUDOHYPERTROPHIC PROGRESSIVE, BECKER TYPE. Identifiers: Orphanet 98895, MedGen C0917713, MONDO:0010311, OMIM 300376.
Dystrophin deficiency.
Dilated cardiomyopathy 3B (CMD3B). Also called: CMD3B: DMD-Related Dilated Cardiomyopathy; CARDIOMYOPATHY, DILATED, X-LINKED; DMD-Associated Dilated Cardiomyopathy. Identifiers: Orphanet 154, MedGen C3668940, MONDO:0010542, OMIM 302045.

Submissions (7):

Labcorp Genetics (formerly Invitae), Labcorp
Classification: Pathogenic for Duchenne muscular dystrophy. Last evaluated: 2024-11-21. Review status: criteria provided, single submitter. Criteria: Invitae Variant Classification Sherloc (09022015). Collection method: clinical testing. Allele origin: germline.
Comment: This sequence change creates a premature translational stop signal (p.Gln365*) in the DMD gene. It is expected to result in an absent or disrupted protein product. Loss-of-function variants in DMD are known to be pathogenic (PMID: 16770791, 25007885). This variant is not present in population databases (gnomAD no frequency). This premature translational stop signal has been observed in individual(s) with Duchenne or Becker muscular dystrophy (PMID: 15351422). ClinVar contains an entry for this variant (Variation ID: 193663). For these reasons, this variant has been classified as Pathogenic.

Revvity Omics, Revvity
Classification: Pathogenic. Last evaluated: 2021-12-10. Review status: criteria provided, single submitter. Criteria: ACMG Guidelines, 2015. Collection method: clinical testing. Allele origin: germline.

Eurofins Ntd Llc (ga)
Classification: Pathogenic. Last evaluated: 2018-01-03. Review status: criteria provided, single submitter. Criteria: EGL Classification Definitions 2015. Collection method: clinical testing. Allele origin: germline. Observed: 3 variant alleles, 1 heterozygote, 2 hemizygotes.

Natera, Inc.
Classification: Pathogenic for Becker muscular dystrophy; Cardiomyopathy; Duchenne muscular dystrophy; Dystrophin deficiency. Last evaluated: 2019-06-17. Review status: no assertion criteria provided. Collection method: clinical testing. Allele origin: germline. Not counted in ClinVar's aggregate classification.

Counsyl
Classification: Pathogenic for Becker muscular dystrophy. Last evaluated: 2017-12-21. Review status: no assertion criteria provided. Collection method: clinical testing. Allele origin: unknown. Not counted in ClinVar's aggregate classification.

Counsyl
Classification: Pathogenic for Dilated cardiomyopathy 3B. Last evaluated: 2017-12-21. Review status: no assertion criteria provided. Collection method: clinical testing. Allele origin: unknown. Not counted in ClinVar's aggregate classification.

Counsyl
Classification: Pathogenic for Duchenne muscular dystrophy. Last evaluated: 2017-12-21. Review status: no assertion criteria provided. Collection method: clinical testing. Allele origin: unknown. Not counted in ClinVar's aggregate classification.

Literature cited by the submitters: PubMed 16770791 (cited by Labcorp Genetics (formerly Invitae), Labcorp); PubMed 25007885 (cited by Labcorp Genetics (formerly Invitae), Labcorp); PubMed 15351422 (cited by Labcorp Genetics (formerly Invitae), Labcorp and Eurofins Ntd Llc (ga)); PubMed 19937601 (cited by Counsyl); PubMed 28859693 (cited by Counsyl); PubMed 25525159 (cited by Counsyl).